The following is an entry in ClinVar:

ClinVar aggregate classification (germline): Likely benign. Review status: criteria provided, multiple submitters, no conflicts (2 of 4 stars). 4 submissions from 4 submitters: Likely benign (4). Last evaluated 2024-11-22.

Conditions:
Parietal foramina 2 (PFM2). Identifiers: Orphanet 60015, MedGen C1865044, MONDO:0012309, OMIM 609597.

Allele frequency attached by ClinVar (database versions not stated): 1000 Genomes Project 30x 0.00016; 1000 Genomes Project 0.00020; gnomAD 0.00064; TOPMed 0.00073; ESP Exome Variant Server 0.00131.
gnomAD v4.1: 1,830 of 1,613,056 alleles (0.11%); highest among the groups gnomAD compares: Non-Finnish European, 0.15%; 1 homozygote.

Submissions (4):

Blueprint Genetics
Classification: Likely benign. Last evaluated: 2024-11-22. Review status: criteria provided, single submitter. Criteria: ACMG Guidelines, 2015. Collection method: clinical testing. Allele origin: germline.

CeGaT Center for Human Genetics Tuebingen
Classification: Likely benign. Last evaluated: 2023-11-01. Review status: criteria provided, single submitter. Criteria: CeGaT Center For Human Genetics Tuebingen Variant Classification Criteria Version 2. Collection method: clinical testing. Allele origin: germline. Affected: yes. Observed: 1 variant allele.
Comment: ALX4: BP4, BP7

Labcorp Genetics (formerly Invitae), Labcorp
Classification: Likely benign. Last evaluated: 2019-12-31. Review status: criteria provided, single submitter. Criteria: Invitae Variant Classification Sherloc (09022015). Collection method: clinical testing. Allele origin: germline.

Illumina Laboratory Services, Illumina
Classification: Likely benign for Parietal foramina 2. Last evaluated: 2018-01-13. Review status: criteria provided, single submitter. Criteria: ICSL Variant Classification Criteria 13 December 2019. Collection method: clinical testing. Allele origin: germline.
Comment: This variant was observed in the ICSL laboratory as part of a predisposition screen in an ostensibly healthy population. It had not been previously curated by ICSL or reported in the Human Gene Mutation Database (HGMD: prior to June 1st, 2018), and was therefore a candidate for classification through an automated scoring system. Utilizing variant allele frequency, disease prevalence and penetrance estimates, and inheritance mode, an automated score was calculated to assess if this variant is too frequent to cause the disease. Based on the score and internal cut-off values, a variant classified as likely benign is not then subjected to further curation. The score for this variant resulted in a classification of likely benign for this disease.

NM_021926.4(ALX4):c.1035C>T (p.Ser345=)

Gene: ALX4 (ALX homeobox 4; minus strand). Cytogenetic location: 11p11.2.
Variant type: single nucleotide variant.
Coding change: c.1035C>T on transcript NM_021926.4 (MANE Select); coding-DNA position 1035, C replaced by T.
Protein change: p.Ser345=; no amino-acid change (serine 345 retained).
Molecular consequence: synonymous variant.
Genome position (GRCh38, 1-based): chr11:44,265,055, G>A on the plus strand (C>T on the coding strand, the complement: ALX4 is on the minus strand). VCF-style: chr11-44265055-G-A. GRCh37 (hg19) VCF-style: chr11-44286605-G-A.
Identifiers: ClinVar variation 723770 (VCV000723770.32), dbSNP rs140652481, ClinGen allele CA5955548.